The following is an entry in ClinVar:

NM_000179.3(MSH6):c.116_118delinsAGA (p.Gly39_Ala40delinsGluThr)

Gene: MSH6 (mutS homolog 6; plus strand). Cytogenetic location: 2p16.3.
Variant type: Indel.
Coding change: c.116_118delinsAGA on transcript NM_000179.3 (MANE Select); coding-DNA positions 116 to 118, GGG replaced by AGA.
Protein change: p.Gly39_Ala40delinsGluThr.
Molecular consequence: missense variant. On other transcripts: 5 prime UTR variant (7), non-coding transcript variant (5), intron variant (5).
Genome position (GRCh38, 1-based): chr2:47,783,349-47,783,351, GGG replaced by AGA. VCF-style: chr2-47783349-GGG-AGA. GRCh37 (hg19) VCF-style: chr2-48010488-GGG-AGA.
Other names: c.116_118delinsAGA, p.Gly39_Ala40delinsGluThr (NM_001281492.2, NM_001406795.1, NM_001406796.1 and 9 more transcripts); c.-621_-619delinsAGA (NM_001281493.2, NM_001406811.1); c.-213_-211delinsAGA (NM_001406799.1); c.61_63delinsAGA, p.Gly21Arg (NM_001406804.1); c.-813_-811delinsAGA (NM_001406807.1); c.-468_-466delinsAGA (NM_001406812.1); c.-879_-877delinsAGA (NM_001406814.1); c.-424_-422delinsAGA (NM_001406816.1); and 3 more; short protein forms G21R.
Identifiers: ClinVar variation 3913698 (VCV003913698.2).

ClinVar aggregate classification (germline): Uncertain significance. Review status: criteria provided, multiple submitters, no conflicts (2 of 4 stars). 2 submissions from 2 submitters: Uncertain significance (2). Last evaluated 2025-06-20.

Conditions:
Hereditary cancer-predisposing syndrome. Also called: Hereditary Cancer Syndrome; Hereditary neoplastic syndrome; Neoplastic Syndromes, Hereditary; Tumor predisposition. Identifiers: Orphanet 140162, MedGen C0027672, MeSH D009386, MONDO:0015356.

Submissions (2):

Color Diagnostics, LLC DBA Color Health
Classification: Uncertain significance for Hereditary cancer-predisposing syndrome. Last evaluated: 2025-06-20. Review status: criteria provided, single submitter. Criteria: ACMG Guidelines, 2015. Collection method: clinical testing. Allele origin: germline.
Comment: This variant causes an in-frame substitution of glycine and alanine amino acids with glutamic acid and threonine amino acids in exon 1 of the MSH6 protein. To our knowledge, functional studies have not been reported for this variant. This variant has not been reported in individuals affected with MSH6-related disorders in the literature. This variant has not been identified in the general population by the Genome Aggregation Database (gnomAD). The available evidence is insufficient to determine the role of this variant in disease conclusively. Therefore, this variant is classified as a Variant of Uncertain Significance.

Ambry Genetics
Classification: Uncertain significance for Hereditary cancer-predisposing syndrome. Last evaluated: 2025-05-06. Review status: criteria provided, single submitter. Criteria: Ambry Variant Classification Scheme 2023. Collection method: clinical testing. Allele origin: germline.
Comment: The c.116_118delGGGinsAGA variant (also known as p.G39_A40delinsET), located in coding exon 1 of the MSH6 gene, results from an in-frame deletion of GGG and insertion of AGA at nucleotide positions 116 to 118. This results in the substitution of 2 amino acid residues (GA) for a glutamate residue and a threonine residue at codons 39 and 40. This amino acid region is not well conserved in available vertebrate species. In addition, this alteration is predicted to be neutral by in silico analysis (Choi Y et al. PLoS ONE. 2012; 7(10):e46688). Based on the available evidence, the clinical significance of this variant remains unclear.